The following is an entry in ClinVar:

NM_001267550.2(TTN):c.40690A>G (p.Lys13564Glu)

Gene: TTN (titin; minus strand). Cytogenetic location: 2q31.2.
Variant type: single nucleotide variant.
Coding change: c.40690A>G on transcript NM_001267550.2 (MANE Select); coding-DNA position 40690, A replaced by G.
Protein change: p.Lys13564Glu; replaces lysine 13564 with glutamic acid.
Molecular consequence: missense variant.
Genome position (GRCh38, 1-based): chr2:178,640,574, T>C on the plus strand (A>G on the coding strand, the complement: TTN is on the minus strand). VCF-style: chr2-178640574-T-C. GRCh37 (hg19) VCF-style: chr2-179505301-T-C.
Other names: p.Lys11923Glu; c.35767A>G, p.Lys11923Glu (NM_001256850.1); c.13495A>G, p.Lys4499Glu (NM_003319.4); c.32986A>G, p.Lys10996Glu (NM_133378.4); c.13870A>G, p.Lys4624Glu (NM_133432.3); c.14071A>G, p.Lys4691Glu (NM_133437.4); short protein forms K13564E, K10996E, K11923E, K4691E, K4499E, K4624E.
Identifiers: ClinVar variation 238773 (VCV000238773.4), dbSNP rs758942655, ClinGen allele CA1996414.

ClinVar aggregate classification (germline): Uncertain significance. Review status: criteria provided, multiple submitters, no conflicts (2 of 4 stars). 2 submissions from 2 submitters: Uncertain significance (2). Last evaluated 2022-09-29.

Conditions:
Autosomal recessive limb-girdle muscular dystrophy type 2J (LGMDR10). Also called: Limb-girdle muscular dystrophy, type 2J; MUSCULAR DYSTROPHY, LIMB-GIRDLE, AUTOSOMAL RECESSIVE 10. Identifiers: Orphanet 140922, MedGen C1837342, MONDO:0012127, OMIM 608807.
Dilated cardiomyopathy 1G (CMD1G). Identifiers: Orphanet 154, MedGen C1858763, MONDO:0011400, OMIM 604145.

Allele frequency attached by ClinVar (database versions not stated): ExAC 0.00001; gnomAD exomes 0.00001; TOPMed 0.00001.
gnomAD v4.1: 4 of 1,602,350 alleles (0.00025%); highest among the groups gnomAD compares: Admixed American, 0.0052%; no homozygotes.

Submissions (2):

Mayo Clinic Laboratories, Mayo Clinic
Classification: Uncertain significance. Last evaluated: 2022-09-29. Review status: criteria provided, single submitter. Criteria: ACMG Guidelines, 2015. Collection method: clinical testing. Allele origin: germline. Observed: 1 variant allele.
Comment: BP4

Labcorp Genetics (formerly Invitae), Labcorp
Classification: Uncertain significance for Dilated cardiomyopathy 1G; Autosomal recessive limb-girdle muscular dystrophy type 2J. Last evaluated: 2015-12-01. Review status: criteria provided, single submitter. Criteria: Invitae Variant Classification Sherloc (09022015). Collection method: clinical testing. Allele origin: germline.